The following is an entry in ClinVar:

ClinVar aggregate classification (germline): Pathogenic (1 of 4 stars; one submission).

Conditions:
Inborn genetic diseases. Identifiers: MedGen C0950123, MeSH D030342.

Submission:

Ambry Genetics
Classification: Pathogenic for Inborn genetic diseases. Last evaluated: 2019-11-13. Review status: criteria provided, single submitter. Criteria: Ambry Variant Classification Scheme 2023. Collection method: clinical testing. Allele origin: germline.
Comment: The c.4942delA pathogenic mutation, located in coding exon 35 of the SZT2 gene, results from a deletion of one nucleotide at nucleotide position 4942, causing a translational frameshift with a predicted alternate stop codon (p.M1648Wfs*39). This alteration is expected to result in loss of function by premature protein truncation or nonsense-mediated mRNA decay. As such, this alteration is interpreted as a disease-causing mutation.

NM_001365999.1(SZT2):c.5113del (p.Met1705fs)

Gene: SZT2 (SZT2 subunit of KICSTOR complex; plus strand). Cytogenetic location: 1p34.2.
Variant type: Deletion.
Coding change: c.5113del on transcript NM_001365999.1 (MANE Select); coding-DNA position 5113, one base deleted (A; older notation c.5113delA).
Protein change: p.Met1705fs; shifts the reading frame from methionine 1705.
Molecular consequence: frameshift variant.
Genome position (GRCh38, 1-based): chr1:43,431,740, A deleted. VCF-style (leftmost placement, unchanged base first): chr1-43431739-GA-G. GRCh37 (hg19) VCF-style: chr1-43897410-GA-G.
Other names: c.4942del, p.Met1648fs (NM_015284.4); short protein forms M1705fs, M1648fs.
Identifiers: ClinVar variation 1744286 (VCV001744286.2), dbSNP rs2545829648, ClinGen allele CA2580062840.